The following is an entry in ClinVar:

NM_001754.5(RUNX1):c.105C>A (p.Ser35Arg)

Gene: RUNX1 (RUNX family transcription factor 1; minus strand). Cytogenetic location: 21q22.12.
Variant type: single nucleotide variant.
Coding change: c.105C>A on transcript NM_001754.5 (MANE Select); coding-DNA position 105, C replaced by A.
Protein change: p.Ser35Arg; replaces serine 35 with arginine.
Molecular consequence: missense variant.
Genome position (GRCh38, 1-based): chr21:34,887,089, G>T on the plus strand (C>A on the coding strand, the complement: RUNX1 is on the minus strand). VCF-style: chr21-34887089-G-T. GRCh37 (hg19) VCF-style: chr21-36259386-G-T.
Other names: NM_001754.5(RUNX1):c.105C>A; p.Ser35Arg; c.24C>A, p.Ser8Arg (NM_001001890.3, NM_001122607.2); short protein forms S8R, S35R.
Identifiers: ClinVar variation 656386 (VCV000656386.9), dbSNP rs1569084817, ClinGen allele CA410204309.
Genomic context (GRCh38, chr21:34,887,089, plus strand): 5'-CGCCTCGCTCATCTTGCCTGGGCTCAGCGCGGTGGAAGGCGGCGTGAAGCGGCGGCTCGT[G>T]CTGGCATCTACGGGGATACGCATCACAACAAGCCGATTGAGTTAGGACCCTGCAAACAGC-3'
Protein context (NP_001745.2, residues 25-45): MNPSRDVHDA[Ser35Arg]TSRRFTPPST

ClinVar aggregate classification (germline): Uncertain significance. Review status: reviewed by expert panel (3 of 4 stars). 2 submissions from 2 submitters: Uncertain significance (1). 1 of the submissions does not count toward it. Last evaluated 2024-10-29.

Conditions:
Hereditary thrombocytopenia and hematologic cancer predisposition syndrome. Identifiers: Orphanet 71290, MedGen CN281654, MONDO:0011071.
Hereditary thrombocytopenia and hematological cancer predisposition syndrome associated with RUNX1. Also called: Familial Platelet Disorder with Propensity to Acute Myelogenous Leukemia; Familial thrombocytopenia with propensity to acute myelogenous leukemia; RUNX1 Familial Platelet Disorder with Associated Myeloid Malignancies; PLATELET DISORDER, ASPIRIN-LIKE. Identifiers: Orphanet 71290, MedGen C1832388, MeSH C563324, MONDO:0100083, OMIM 601399.

Submissions (2):

ClinGen Myeloid Malignancy Variant Curation Expert Panel
Classification: Uncertain significance for Hereditary thrombocytopenia and hematologic cancer predisposition syndrome. Last evaluated: 2024-10-29. Review status: reviewed by expert panel. Criteria: ClinGen MyeloMalig ACMG Specifications v2. Collection method: curation. Allele origin: germline. Inheritance: Autosomal dominant inheritance.
Comment: NM_001754.5(RUNX1):c.105C>A (p.Ser35Arg) is a missense variant which is completely absent from all population databases with at least 20x coverage for RUNX1 (PM2_Supporting). In summary, the clinical significance of this variant is uncertain. ACMG/AMP criteria applied, as specified by the Myeloid Malignancy Variant Curation Expert Panel for RUNX1: PM2_Supporting.

Labcorp Genetics (formerly Invitae), Labcorp
Classification: Uncertain significance for Hereditary thrombocytopenia and hematological cancer predisposition syndrome associated with RUNX1. Last evaluated: 2022-12-31. Review status: criteria provided, single submitter. Criteria: Invitae Variant Classification Sherloc (09022015). Collection method: clinical testing. Allele origin: germline. Not counted in ClinVar's aggregate classification.
Comment: This variant has not been reported in the literature in individuals affected with RUNX1-related conditions. This variant is not present in population databases (gnomAD no frequency). This sequence change replaces serine, which is neutral and polar, with arginine, which is basic and polar, at codon 35 of the RUNX1 protein (p.Ser35Arg). ClinVar contains an entry for this variant (Variation ID: 656386). In summary, the available evidence is currently insufficient to determine the role of this variant in disease. Therefore, it has been classified as a Variant of Uncertain Significance. Advanced modeling of protein sequence and biophysical properties (such as structural, functional, and spatial information, amino acid conservation, physicochemical variation, residue mobility, and thermodynamic stability) has been performed at Invitae for this missense variant, however the output from this modeling did not meet the statistical confidence thresholds required to predict the impact of this variant on RUNX1 protein function.